The following is an entry in ClinVar:

ClinVar aggregate classification (germline): Pathogenic (1 of 4 stars; one submission).

Submission:

Labcorp Genetics (formerly Invitae), Labcorp
Classification: Pathogenic. Last evaluated: 2025-11-03. Review status: criteria provided, single submitter. Criteria: Invitae Variant Classification Sherloc (09022015). Collection method: clinical testing. Allele origin: germline.
Comment: This sequence change creates a premature translational stop signal (p.Leu9Trpfs*3) in the AMH gene. It is expected to result in an absent or disrupted protein product. Loss-of-function variants in AMH are known to be pathogenic (PMID: 1483695, 8162013, 8872466, 22797409). This variant is present in population databases (no rsID available, gnomAD 0.01%). This variant has not been reported in the literature in individuals affected with AMH-related conditions. For these reasons, this variant has been classified as Pathogenic.

Literature cited by the submitters: PubMed 1483695; PubMed 8162013; PubMed 8872466; PubMed 22797409.

NM_000479.5(AMH):c.25del (p.Leu9fs)

Genes: AMH (anti-Mullerian hormone; plus strand), LOC108783649 (AMH 5' regulatory region; plus strand). Cytogenetic location: 19p13.3.
Variant type: Deletion.
Coding change: c.25del on transcript NM_000479.5 (MANE Select); coding-DNA position 25, one base deleted (C; older notation c.25delC).
Protein change: p.Leu9fs; shifts the reading frame from leucine 9.
Molecular consequence: frameshift variant.
Genome position (GRCh38, 1-based): chr19:2,249,357, C deleted; the last of 2 consecutive C bases (chr19:2,249,356-2,249,357); deleting either gives the same sequence. VCF-style (leftmost placement, unchanged base first): chr19-2249355-GC-G. GRCh37 (hg19) VCF-style: chr19-2249354-GC-G.
Other names: short protein forms L9fs.
Identifiers: ClinVar variation 4708182 (VCV004708182.1).